The following is an entry in ClinVar:

ClinVar aggregate classification (germline): Uncertain significance (1 of 4 stars; one submission).

Submission:

GeneDx
Classification: Uncertain significance. Last evaluated: 2022-03-04. Review status: criteria provided, single submitter. Criteria: GeneDx Variant Classification Process June 2021. Collection method: clinical testing. Allele origin: germline. Affected: yes.
Comment: Not observed at significant frequency in large population cohorts (gnomAD); In silico analysis supports that this missense variant has a deleterious effect on protein structure/function; Has not been previously published as pathogenic or benign to our knowledge

NM_014159.7(SETD2):c.5738A>C (p.Glu1913Ala)

Gene: SETD2 (SET domain containing 2, histone lysine methyltransferase; minus strand). Cytogenetic location: 3p21.31.
Variant type: single nucleotide variant.
Coding change: c.5738A>C on transcript NM_014159.7 (MANE Select); coding-DNA position 5738, A replaced by C.
Protein change: p.Glu1913Ala; replaces glutamic acid 1913 with alanine.
Molecular consequence: missense variant. On other transcripts: non-coding transcript variant (1).
Genome position (GRCh38, 1-based): chr3:47,084,042, T>G on the plus strand (A>C on the coding strand, the complement: SETD2 is on the minus strand). VCF-style: chr3-47084042-T-G. GRCh37 (hg19) VCF-style: chr3-47125532-T-G.
Other names: c.5606A>C, p.Glu1869Ala (NM_001349370.3); short protein forms E1869A, E1913A.
Identifiers: ClinVar variation 1703929 (VCV001703929.2), dbSNP rs2545517851, ClinGen allele CA352534415.